The following is an entry in ClinVar:

ClinVar aggregate classification (germline): Uncertain significance (1 of 4 stars; one submission).

Submission:

GeneDx
Classification: Uncertain significance. Last evaluated: 2024-02-09. Review status: criteria provided, single submitter. Criteria: GeneDx Variant Classification Process June 2021. Collection method: clinical testing. Allele origin: germline. Affected: yes.
Comment: Not observed at significant frequency in large population cohorts (gnomAD); In silico analysis supports that this missense variant does not alter protein structure/function; Has not been previously published as pathogenic or benign to our knowledge

NM_001242896.3(DEPDC5):c.286A>G (p.Thr96Ala)

Gene: DEPDC5 (DEP domain containing 5, GATOR1 subcomplex subunit; plus strand). Cytogenetic location: 22q12.2.
Variant type: single nucleotide variant.
Coding change: c.286A>G on transcript NM_001242896.3 (MANE Select); coding-DNA position 286, A replaced by G.
Protein change: p.Thr96Ala; replaces threonine 96 with alanine.
Molecular consequence: missense variant. On other transcripts: non-coding transcript variant (5), intron variant (2).
Genome position (GRCh38, 1-based): chr22:31,766,591, A>G. VCF-style: chr22-31766591-A-G. GRCh37 (hg19) VCF-style: chr22-32162577-A-G.
Other names: c.286A>G, p.Thr96Ala (NM_001007188.4, NM_001136029.4, NM_001242897.2 and 7 more transcripts); c.279+1531A>G (NM_001369902.1, NM_001369901.1); short protein forms T96A.
Identifiers: ClinVar variation 3342826 (VCV003342826.1).